The following is an entry in ClinVar:

NM_003002.4(SDHD):c.122C>T (p.Pro41Leu)

Gene: SDHD (succinate dehydrogenase complex subunit D; plus strand). Cytogenetic location: 11q23.1.
Variant type: single nucleotide variant.
Coding change: c.122C>T on transcript NM_003002.4 (MANE Select); coding-DNA position 122, C replaced by T.
Protein change: p.Pro41Leu; replaces proline 41 with leucine.
Molecular consequence: missense variant. On other transcripts: non-coding transcript variant (1), intron variant (1).
Genome position (GRCh38, 1-based): chr11:112,087,926, C>T. VCF-style: chr11-112087926-C-T. GRCh37 (hg19) VCF-style: chr11-111958650-C-T.
Other names: c.122C>T, p.Pro41Leu (NM_001276503.2, NM_001276506.2); c.53-941C>T (NM_001276504.2); short protein forms P41L.
Identifiers: ClinVar variation 649130 (VCV000649130.53), dbSNP rs753724042, ClinGen allele CA070627.

ClinVar aggregate classification (germline): Uncertain significance. Review status: criteria provided, multiple submitters, no conflicts (2 of 4 stars). 4 submissions from 4 submitters: Uncertain significance (4). Last evaluated 2025-07-14.

Conditions:
Hereditary cancer-predisposing syndrome. Also called: Tumor predisposition; Hereditary Cancer Syndrome; Hereditary neoplastic syndrome; Neoplastic Syndromes, Hereditary. Identifiers: Orphanet 140162, MedGen C0027672, MeSH D009386, MONDO:0015356.
Cowden syndrome 3 (CWS3). Identifiers: Orphanet 201, MedGen CN166604, MONDO:0014045.
Paragangliomas with sensorineural hearing loss. Identifiers: MedGen C1868633.
Carney-Stratakis syndrome. Also called: PARAGANGLIOMA AND GASTROINTESTINAL STROMAL TUMOR. Identifiers: Orphanet 97286, MedGen C1847319, MONDO:0011740, OMIM 606864.
Pheochromocytoma. Also called: MAX-Related Hereditary Paraganglioma-Pheochromocytoma Syndrome. Identifiers: Orphanet 29072, MedGen C0031511, MONDO:0008233, OMIM 171300, HP:0002666.
Hereditary pheochromocytoma and paraganglioma. Also called: Hereditary paragangliomas and pheochromocytomas; Hereditary pheochromocytoma-paraganglioma; Hereditary Paraganglioma-Pheochromocytoma Syndromes. Identifiers: Orphanet 29072, MedGen C4274332, MONDO:0017366.

Allele frequency attached by ClinVar (database versions not stated): gnomAD exomes below 0.00001 and 0.00002; ExAC 0.00001.

Submissions (4):

Labcorp Genetics (formerly Invitae), Labcorp
Classification: Uncertain significance for Carney-Stratakis syndrome; Paragangliomas with sensorineural hearing loss; Pheochromocytoma; Cowden syndrome 3. Last evaluated: 2025-07-14. Review status: criteria provided, single submitter. Criteria: Invitae Variant Classification Sherloc (09022015). Collection method: clinical testing. Allele origin: germline.
Comment: This sequence change replaces proline, which is neutral and non-polar, with leucine, which is neutral and non-polar, at codon 41 of the SDHD protein (p.Pro41Leu). This variant is present in population databases (rs753724042, gnomAD 0.01%). This variant has not been reported in the literature in individuals affected with SDHD-related conditions. ClinVar contains an entry for this variant (Variation ID: 649130). Invitae Evidence Modeling of protein sequence and biophysical properties (such as structural, functional, and spatial information, amino acid conservation, physicochemical variation, residue mobility, and thermodynamic stability) has been performed for this missense variant. However, the output from this modeling did not meet the statistical confidence thresholds required to predict the impact of this variant on SDHD protein function. In summary, the available evidence is currently insufficient to determine the role of this variant in disease. Therefore, it has been classified as a Variant of Uncertain Significance.

GeneDx
Classification: Uncertain significance. Last evaluated: 2025-02-05. Review status: criteria provided, single submitter. Criteria: GeneDx Variant Classification Process June 2021. Collection method: clinical testing. Allele origin: germline. Affected: yes.
Comment: Not observed at significant frequency in large population cohorts (gnomAD); In silico analysis supports that this missense variant has a deleterious effect on protein structure/function; Has not been previously published as pathogenic or benign to our knowledge

Ambry Genetics
Classification: Uncertain significance for Hereditary cancer-predisposing syndrome. Last evaluated: 2024-09-01. Review status: criteria provided, single submitter. Criteria: Ambry Variant Classification Scheme 2023. Collection method: clinical testing. Allele origin: germline.
Comment: The p.P41L variant (also known as c.122C>T), located in coding exon 2 of the SDHD gene, results from a C to T substitution at nucleotide position 122. The proline at codon 41 is replaced by leucine, an amino acid with similar properties. This amino acid position is conserved. In addition, the in silico prediction for this alteration is inconclusive. Since supporting evidence is limited at this time, the clinical significance of this alteration remains unclear.

All of Us Research Program, National Institutes of Health
Classification: Uncertain significance for Hereditary pheochromocytoma and paraganglioma. Last evaluated: 2023-11-30. Review status: criteria provided, single submitter. Criteria: ACMG Guidelines, 2015. Collection method: clinical testing. Allele origin: germline. Inheritance: Autosomal dominant inheritance. Observed: 2 variant alleles, 2 heterozygotes.
Comment: This study involves interpretation of variants in research participants for the purpose of population health screening. Participant phenotype was not available at the time of variant classification. Additional details can be found in publication PMID: 35346344, PMCID: PMC8962531